The following is an entry in ClinVar:

NM_001385125.1(OPN1SW):c.818G>A (p.Arg273His)

Gene: OPN1SW (opsin 1, short wave sensitive; minus strand). Cytogenetic location: 7q32.1.
Variant type: single nucleotide variant.
Coding change: c.818G>A on transcript NM_001385125.1 (MANE Select); coding-DNA position 818, G replaced by A.
Protein change: p.Arg273His; replaces arginine 273 with histidine.
Molecular consequence: missense variant.
Genome position (GRCh38, 1-based): chr7:128,773,749, C>T on the plus strand (G>A on the coding strand, the complement: OPN1SW is on the minus strand). VCF-style: chr7-128773749-C-T. GRCh37 (hg19) VCF-style: chr7-128413803-C-T.
Other names: short protein forms R273H.
Identifiers: ClinVar variation 2152040 (VCV002152040.4), dbSNP rs375615377, ClinGen allele CA4472826.

ClinVar aggregate classification (germline): Uncertain significance (1 of 4 stars; one submission).

Allele frequency attached by ClinVar (database versions not stated): gnomAD exomes 0.00002; TOPMed 0.00002.
gnomAD v4.1: 30 of 1,614,052 alleles (0.0019%); highest among the groups gnomAD compares: Middle Eastern, 0.016%; no homozygotes.

Submission:

Labcorp Genetics (formerly Invitae), Labcorp
Classification: Uncertain significance. Last evaluated: 2022-10-04. Review status: criteria provided, single submitter. Criteria: Invitae Variant Classification Sherloc (09022015). Collection method: clinical testing. Allele origin: germline.
Comment: In summary, the available evidence is currently insufficient to determine the role of this variant in disease. Therefore, it has been classified as a Variant of Uncertain Significance. Algorithms developed to predict the effect of missense changes on protein structure and function output the following: SIFT: "Deleterious"; PolyPhen-2: "Benign"; Align-GVGD: "Class C0". The histidine amino acid residue is found in multiple mammalian species, which suggests that this missense change does not adversely affect protein function. This variant has not been reported in the literature in individuals affected with OPN1SW-related conditions. This variant is present in population databases (rs375615377, gnomAD 0.006%). This sequence change replaces arginine, which is basic and polar, with histidine, which is basic and polar, at codon 276 of the OPN1SW protein (p.Arg276His).